The following is an entry in ClinVar:

ClinVar aggregate classification (germline): Benign/Likely benign. Review status: criteria provided, multiple submitters, no conflicts (2 of 4 stars). 4 submissions from 4 submitters: Benign (1); Likely benign (2). 1 of the submissions does not count toward it. Last evaluated 2026-01-05.

Conditions:
EZH2-related disorder.
Weaver syndrome (WVS). Also called: Weaver Smith syndrome; Overgrowth syndrome with accelerated skeletal maturation, unusual facies, and camptodactyly. Identifiers: Orphanet 3447, MedGen C0265210, MONDO:0010193, OMIM 277590.

Allele frequency attached by ClinVar (database versions not stated): 1000 Genomes Project 0.00020; ESP Exome Variant Server 0.00023; gnomAD 0.00023; 1000 Genomes Project 30x 0.00031; ExAC 0.00031; gnomAD exomes 0.00036 and 0.00038; TOPMed 0.00037.
gnomAD v4.1: 604 of 1,612,946 alleles (0.037%); highest among the groups gnomAD compares: Middle Eastern, 0.083%; no homozygotes.

Submissions (4):

Labcorp Genetics (formerly Invitae), Labcorp
Classification: Benign for Weaver syndrome. Last evaluated: 2026-01-05. Review status: criteria provided, single submitter. Criteria: Invitae Variant Classification Sherloc (09022015). Collection method: clinical testing. Allele origin: germline.

Blueprint Genetics
Classification: Likely benign. Last evaluated: 2024-11-01. Review status: criteria provided, single submitter. Criteria: ACMG Guidelines, 2015. Collection method: clinical testing. Allele origin: germline.

GeneDx
Classification: Likely benign. Last evaluated: 2020-01-06. Review status: criteria provided, single submitter. Criteria: GeneDx Variant Classification Process June 2021. Collection method: clinical testing. Allele origin: germline. Affected: yes.

PreventionGenetics, part of Exact Sciences
Classification: Likely benign for EZH2-related condition. Last evaluated: 2019-06-10. Review status: no assertion criteria provided. Collection method: clinical testing. Allele origin: germline. Not counted in ClinVar's aggregate classification.
Comment: This variant is classified as likely benign based on ACMG/AMP sequence variant interpretation guidelines (Richards et al. 2015 PMID: 25741868, with internal and published modifications).

NM_004456.5(EZH2):c.1547-10C>T

Gene: EZH2 (enhancer of zeste 2 polycomb repressive complex 2 subunit; minus strand). Cytogenetic location: 7q36.1.
Variant type: single nucleotide variant.
Coding change: c.1547-10C>T on transcript NM_004456.5 (MANE Select); 10 bases into the intron before coding-DNA position 1547, C replaced by T.
Molecular consequence: intron variant.
Genome position (GRCh38, 1-based): chr7:148,815,049, G>A on the plus strand (C>T on the coding strand, the complement: EZH2 is on the minus strand). VCF-style: chr7-148815049-G-A. GRCh37 (hg19) VCF-style: chr7-148512141-G-A.
Other names: c.1505-10C>T (NM_001203248.2); c.1415-10C>T (NM_152998.3); c.1532-10C>T (NM_001203247.2); c.1504+457C>T (NM_001203249.2).
Identifiers: ClinVar variation 390231 (VCV000390231.17), dbSNP rs202184941, ClinGen allele CA4547839.